The following is an entry in ClinVar:

ClinVar aggregate classification (germline): Pathogenic (1 of 4 stars; one submission).

Conditions:
RAPSN-related disorder. Also called: RAPSN-related condition; RAPSN-related disorders. Identifiers: MedGen CN239397.

Submission:

Myriad Genetics, Inc.
Classification: Pathogenic for RAPSN-related disorder. Last evaluated: 2024-05-14. Review status: criteria provided, single submitter. Criteria: Myriad Autosomal Dominant, Autosomal Recessive and X-Linked Classification Criteria (2023). Collection method: clinical testing. Allele origin: unknown.
Comment: NM_005055.4(RAPSN):c.648T>A(Y216*) is expected to be pathogenic in the context of RAPSN-related disorders. This variant is predicted to lead to an abnormal or absent protein product due to the creation of a premature termination codon in RAPSN, a gene where loss-of-function variants are known to be pathogenic. Please note: this variant was assessed in the context of healthy population screening.

NM_005055.5(RAPSN):c.648T>A (p.Tyr216Ter)

Gene: RAPSN (receptor associated protein of the synapse; minus strand). Cytogenetic location: 11p11.2.
Variant type: single nucleotide variant.
Coding change: c.648T>A on transcript NM_005055.5 (MANE Select); coding-DNA position 648, T replaced by A.
Protein change: p.Tyr216Ter; replaces tyrosine 216 with a stop codon.
Molecular consequence: nonsense. On other transcripts: intron variant (4).
Genome position (GRCh38, 1-based): chr11:47,442,698, A>T on the plus strand (T>A on the coding strand, the complement: RAPSN is on the minus strand). VCF-style: chr11-47442698-A-T. GRCh37 (hg19) VCF-style: chr11-47464250-A-T.
Other names: c.648T>A, p.Tyr216Ter (NM_001440490.1, NM_001440491.1, NM_001440492.1 and 8 more transcripts); c.309T>A, p.Tyr103Ter (NM_001440504.1); c.532-777T>A (NM_001440503.1, NM_001440493.1, NM_001440502.1 and 1 more transcripts); short protein forms Y103*, Y216*.
Identifiers: ClinVar variation 5013747 (VCV005013747.1).